The following is an entry in ClinVar:

NM_001204.7(BMPR2):c.922G>C (p.Val308Leu)

Gene: BMPR2 (bone morphogenetic protein receptor type 2; plus strand). Cytogenetic location: 2q33.2.
Variant type: single nucleotide variant.
Coding change: c.922G>C on transcript NM_001204.7 (MANE Select); coding-DNA position 922, G replaced by C.
Protein change: p.Val308Leu; replaces valine 308 with leucine.
Molecular consequence: missense variant.
Genome position (GRCh38, 1-based): chr2:202,520,156, G>C. VCF-style: chr2-202520156-G-C. GRCh37 (hg19) VCF-style: chr2-203384879-G-C.
Other names: short protein forms V308L.
Identifiers: ClinVar variation 4867619 (VCV004867619.1).

ClinVar aggregate classification (germline): Uncertain significance (1 of 4 stars; one submission).

Conditions:
Inborn genetic diseases. Identifiers: MedGen C0950123, MeSH D030342.

Submission:

Ambry Genetics
Classification: Uncertain significance for Inborn genetic diseases. Last evaluated: 2026-04-28. Review status: criteria provided, single submitter. Criteria: Ambry Variant Classification Scheme 2023. Collection method: clinical testing. Allele origin: germline.
Comment: The p.V308L variant (also known as c.922G>C), located in coding exon 7 of the BMPR2 gene, results from a G to C substitution at nucleotide position 922. The valine at codon 308 is replaced by leucine, an amino acid with highly similar properties. This amino acid position is conserved. In addition, the in silico prediction for this alteration is inconclusive. Based on the available evidence, the clinical significance of this variant remains unclear.